The following is an entry in ClinVar:

ClinVar aggregate classification (germline): Uncertain significance (1 of 4 stars; one submission).

Conditions:
Hereditary sensory and autonomic neuropathy type 7. Also called: HSAN VII; Neuropathy, hereditary sensory and autonomic, type VII. Identifiers: Orphanet 391397, MedGen C3809882, MONDO:0014244, OMIM 615548.
Familial episodic pain syndrome with predominantly lower limb involvement. Also called: Episodic pain syndrome, familial, 3. Identifiers: Orphanet 391384, Orphanet 391392, MedGen C3809899, MONDO:0014247, OMIM 615552.

Allele frequency attached by ClinVar (database versions not stated): TOPMed below 0.00001; gnomAD exomes 0.00001; ExAC 0.00002.
gnomAD v4.1: 1 of 1,613,986 alleles (0.000062%); highest among the groups gnomAD compares: East Asian, 0.0022%; no homozygotes.

Submission:

Labcorp Genetics (formerly Invitae), Labcorp
Classification: Uncertain significance for Familial episodic pain syndrome with predominantly lower limb involvement; Hereditary sensory and autonomic neuropathy type 7. Last evaluated: 2022-08-16. Review status: criteria provided, single submitter. Criteria: Invitae Variant Classification Sherloc (09022015). Collection method: clinical testing. Allele origin: germline.
Comment: This variant is present in population databases (rs758216987, gnomAD 0.02%). Algorithms developed to predict the effect of missense changes on protein structure and function are either unavailable or do not agree on the potential impact of this missense change (SIFT: "Deleterious"; PolyPhen-2: "Benign"; Align-GVGD: "Class C25"). ClinVar contains an entry for this variant (Variation ID: 1523260). This variant has not been reported in the literature in individuals affected with SCN11A-related conditions. This sequence change replaces methionine, which is neutral and non-polar, with threonine, which is neutral and polar, at codon 596 of the SCN11A protein (p.Met596Thr). In summary, the available evidence is currently insufficient to determine the role of this variant in disease. Therefore, it has been classified as a Variant of Uncertain Significance.

NM_001349253.2(SCN11A):c.1787T>C (p.Met596Thr)

Gene: SCN11A (sodium voltage-gated channel alpha subunit 11; minus strand). Cytogenetic location: 3p22.2.
Variant type: single nucleotide variant.
Coding change: c.1787T>C on transcript NM_001349253.2 (MANE Select); coding-DNA position 1787, T replaced by C.
Protein change: p.Met596Thr; replaces methionine 596 with threonine.
Molecular consequence: missense variant.
Genome position (GRCh38, 1-based): chr3:38,903,920, A>G on the plus strand (T>C on the coding strand, the complement: SCN11A is on the minus strand). VCF-style: chr3-38903920-A-G. GRCh37 (hg19) VCF-style: chr3-38945411-A-G.
Other names: c.1787T>C, p.Met596Thr (NM_014139.3); short protein forms M596T.
Identifiers: ClinVar variation 1523260 (VCV001523260.6), dbSNP rs758216987, ClinGen allele CA2322213.
Genomic context (GRCh38, chr3:38,903,920, plus strand): 5'-GTTACCAAATTCCCTATATTCAACATCTTCTCAAAACTGGCCTCCATCTTGTGATGCTCC[A>G]TGGCCAAGAAGACAGTGTTGATGATGATGCAGATGGTGATGGCCAGCTCAGTAAACGGGT-3'
Protein context (NP_001336182.1, residues 586-606): CIIINTVFLA[Met596Thr]EHHKMEASFE